The following is an entry in ClinVar:

NM_003119.4(SPG7):c.1779+20G>A

Gene: SPG7 (SPG7 matrix AAA peptidase subunit, paraplegin; plus strand). Cytogenetic location: 16q24.3.
Variant type: single nucleotide variant.
Coding change: c.1779+20G>A on transcript NM_003119.4 (MANE Select); 20 bases into the intron after coding-DNA position 1779, G replaced by A.
Molecular consequence: intron variant.
Genome position (GRCh38, 1-based): chr16:89,550,629, G>A. VCF-style: chr16-89550629-G-A. GRCh37 (hg19) VCF-style: chr16-89617037-G-A.
Other names: c.1779+20G>A (NM_001363850.1).
Identifiers: ClinVar variation 215191 (VCV000215191.11), dbSNP rs145805850, ClinGen allele CA324446.

ClinVar aggregate classification (germline): Benign/Likely benign. Review status: criteria provided, multiple submitters, no conflicts (2 of 4 stars). 4 submissions from 4 submitters: Benign (2); Likely benign (2). Last evaluated 2026-07-01.

Conditions:
Hereditary spastic paraplegia 7 (SPG7). Also called: Spastic paraplegia 7; Hereditary spastic paraplegia Paraplegin type; Autosomal recessive spastic paraplegia type 7; SPASTIC PARAPLEGIA 7, AUTOSOMAL RECESSIVE, WITH OR WITHOUT CEREBELLAR ATAXIA; SPG7-related neurologic disorder. Identifiers: Orphanet 99013, MedGen C1846564, MONDO:0011803, OMIM 607259.

Allele frequency attached by ClinVar (database versions not stated): gnomAD 0.00325 and 0.00345; ESP Exome Variant Server 0.00369; gnomAD exomes 0.00071 and 0.00029; ExAC 0.00093; 1000 Genomes Project 30x 0.00250; TOPMed 0.00384; 1000 Genomes Project 0.00220.

Submissions (4):

CeGaT Center for Human Genetics Tuebingen
Classification: Likely benign. Last evaluated: 2026-07-01. Review status: criteria provided, single submitter. Criteria: CeGaT Center For Human Genetics Tuebingen Variant Classification Criteria Version 2. Collection method: clinical testing. Allele origin: germline. Affected: yes. Observed: 1 variant allele.
Comment: SPG7: BS1

Labcorp Genetics (formerly Invitae), Labcorp
Classification: Benign for Hereditary spastic paraplegia 7. Last evaluated: 2026-01-26. Review status: criteria provided, single submitter. Criteria: Invitae Variant Classification Sherloc (09022015). Collection method: clinical testing. Allele origin: germline.

Blueprint Genetics
Classification: Likely benign. Last evaluated: 2024-11-13. Review status: criteria provided, single submitter. Criteria: ACMG Guidelines, 2015. Collection method: clinical testing. Allele origin: germline.

GeneDx
Classification: Benign. Last evaluated: 2014-12-29. Review status: criteria provided, single submitter. Criteria: GeneDx Variant Classification (06012015). Collection method: clinical testing. Allele origin: germline. Affected: yes.
Comment: This variant is considered likely benign or benign based on one or more of the following criteria: it is a conservative change, it occurs at a poorly conserved position in the protein, it is predicted to be benign by multiple in silico algorithms, and/or has population frequency not consistent with disease.